The following is an entry in ClinVar:

ClinVar aggregate classification (germline): Pathogenic (1 of 4 stars; one submission).

Allele frequency attached by ClinVar (database versions not stated): TOPMed below 0.00001; gnomAD 0.00001.

Submission:

Labcorp Genetics (formerly Invitae), Labcorp
Classification: Pathogenic. Last evaluated: 2022-06-27. Review status: criteria provided, single submitter. Criteria: Invitae Variant Classification Sherloc (09022015). Collection method: clinical testing. Allele origin: germline.
Comment: For these reasons, this variant has been classified as Pathogenic. This variant has not been reported in the literature in individuals affected with PDE6C-related conditions. This variant is not present in population databases (gnomAD no frequency). This sequence change creates a premature translational stop signal (p.Ile184Serfs*10) in the PDE6C gene. It is expected to result in an absent or disrupted protein product. Loss-of-function variants in PDE6C are known to be pathogenic (PMID: 19887631, 23776498, 26103963, 30080950).

Literature cited by the submitters: PubMed 19887631; PubMed 23776498; PubMed 26103963; PubMed 30080950.

NM_006204.4(PDE6C):c.549del (p.Ile184fs)

Gene: PDE6C (phosphodiesterase 6C; plus strand). Cytogenetic location: 10q23.33.
Variant type: Deletion.
Coding change: c.549del on transcript NM_006204.4 (MANE Select); coding-DNA position 549, one base deleted (G; older notation c.549delG).
Protein change: p.Ile184fs; shifts the reading frame from isoleucine 184.
Molecular consequence: frameshift variant.
Genome position (GRCh38, 1-based): chr10:93,620,700, G deleted. VCF-style (leftmost placement, unchanged base first): chr10-93620699-CG-C. GRCh37 (hg19) VCF-style: chr10-95380456-CG-C.
Other names: short protein forms I184fs.
Identifiers: ClinVar variation 1456127 (VCV001456127.6), dbSNP rs962420824, ClinGen allele CA211573534.